The following is an entry in ClinVar:

NM_018984.4(SSH1):c.1450C>T (p.Pro484Ser)

Gene: SSH1 (slingshot protein phosphatase 1; minus strand). Cytogenetic location: 12q24.11.
Variant type: single nucleotide variant.
Coding change: c.1450C>T on transcript NM_018984.4 (MANE Select); coding-DNA position 1450, C replaced by T.
Protein change: p.Pro484Ser; replaces proline 484 with serine.
Molecular consequence: missense variant.
Genome position (GRCh38, 1-based): chr12:108,792,729, G>A on the plus strand (C>T on the coding strand, the complement: SSH1 is on the minus strand). VCF-style: chr12-108792729-G-A. GRCh37 (hg19) VCF-style: chr12-109186505-G-A.
Other names: c.1450C>T, p.Pro484Ser (NM_001161330.2); c.1483C>T, p.Pro495Ser (NM_001161331.1); short protein forms P484S, P495S.
Identifiers: ClinVar variation 2643266 (VCV002643266.24), dbSNP rs145141884, ClinGen allele CA6770236.
Genomic context (GRCh38, chr12:108,792,729, plus strand): 5'-CTAAGCCGGGCTGGGCGGCATCATCCAAGAAGGGCAGCTGGCTTTCCGGGGTGCCATCTG[G>A]GGTCTCTGGCAAGAAGTCGCCAGGTCCTGCAGGGTCATCCACAGGCTGCTGGAGGCTGCT-3'
Protein context (NP_061857.3, residues 474-494): AGPGDFLPET[Pro484Ser]DGTPESQLPF

ClinVar aggregate classification (germline): Likely benign (1 of 4 stars; one submission).

Allele frequency attached by ClinVar (database versions not stated): TOPMed 0.00214; ESP Exome Variant Server 0.00215; gnomAD 0.00216; gnomAD exomes 0.00216; ExAC 0.00219; 1000 Genomes Project 30x 0.00234; 1000 Genomes Project 0.00240.
gnomAD v4.1: 3,504 of 1,613,774 alleles (0.22%); highest among the groups gnomAD compares: Non-Finnish European, 0.23%; 6 homozygotes.

Submission:

CeGaT Center for Human Genetics Tuebingen
Classification: Likely benign. Last evaluated: 2024-11-01. Review status: criteria provided, single submitter. Criteria: CeGaT Center For Human Genetics Tuebingen Variant Classification Criteria Version 2. Collection method: clinical testing. Allele origin: germline. Affected: yes. Observed: 2 variant alleles.
Comment: SSH1: BP4, BS2